The following is an entry in ClinVar:

NM_001736.4(C5AR1):c.657G>A (p.Thr219=)

Gene: C5AR1 (complement C5a receptor 1; plus strand). Cytogenetic location: 19q13.32.
Variant type: single nucleotide variant.
Coding change: c.657G>A on transcript NM_001736.4 (MANE Select); coding-DNA position 657, G replaced by A.
Protein change: p.Thr219=; no amino-acid change (threonine 219 retained).
Molecular consequence: synonymous variant.
Genome position (GRCh38, 1-based): chr19:47,320,434, G>A. VCF-style: chr19-47320434-G-A. GRCh37 (hg19) VCF-style: chr19-47823691-G-A.
Identifiers: ClinVar variation 718843 (VCV000718843.6), dbSNP rs117536261, ClinGen allele CA9537247.
Genomic context (GRCh38, chr19:47,320,434, plus strand): 5'-GCGAGCCGTGGCCATCGTCCGGCTGGTCCTGGGCTTCCTGTGGCCTCTACTCACGCTCAC[G>A]ATTTGTTACACTTTCATCCTGCTCCGGACGTGGAGCCGCAGGGCCACGCGGTCCACCAAG-3'
Protein context (NP_001727.2, residues 209-229): LGFLWPLLTL[Thr219=]ICYTFILLRT

ClinVar aggregate classification (germline): Likely benign. Review status: criteria provided, multiple submitters, no conflicts (2 of 4 stars). 3 submissions from 3 submitters: Likely benign (2). 1 of the submissions does not count toward it. Last evaluated 2018-07-31.

Conditions:
C5AR1-related disorder. Also called: C5AR1-related condition.

Allele frequency attached by ClinVar (database versions not stated): 1000 Genomes Project 0.00020; TOPMed 0.00029; gnomAD 0.00030 and 0.00031; 1000 Genomes Project 30x 0.00031; ESP Exome Variant Server 0.00038.
gnomAD v4.1: 876 of 1,611,576 alleles (0.054%); highest among the groups gnomAD compares: Non-Finnish European, 0.071%; no homozygotes.

Submissions (3):

Labcorp Genetics (formerly Invitae), Labcorp
Classification: Likely benign. Last evaluated: 2018-07-31. Review status: criteria provided, single submitter. Criteria: Invitae Variant Classification Sherloc (09022015). Collection method: clinical testing. Allele origin: germline.

Breakthrough Genomics
Classification: Likely benign. Review status: criteria provided, single submitter. Criteria: ACMG Guidelines, 2015. Collection method: not provided. Allele origin: germline. Inheritance: Unknown mechanism. Affected: yes.

PreventionGenetics, part of Exact Sciences
Classification: Likely benign for C5AR1-related condition. Last evaluated: 2023-09-19. Review status: no assertion criteria provided. Collection method: clinical testing. Allele origin: germline. Not counted in ClinVar's aggregate classification.
Comment: This variant is classified as likely benign based on ACMG/AMP sequence variant interpretation guidelines (Richards et al. 2015 PMID: 25741868, with internal and published modifications).